The following is an entry in ClinVar:

NM_005762.3(TRIM28):c.2070T>C (p.Thr690=)

Gene: TRIM28 (tripartite motif containing 28; plus strand). Cytogenetic location: 19q13.43.
Variant type: single nucleotide variant.
Coding change: c.2070T>C on transcript NM_005762.3 (MANE Select); coding-DNA position 2070, T replaced by C.
Protein change: p.Thr690=; no amino-acid change (threonine 690 retained).
Molecular consequence: synonymous variant.
Genome position (GRCh38, 1-based): chr19:58,549,824, T>C. VCF-style: chr19-58549824-T-C. GRCh37 (hg19) VCF-style: chr19-59061191-T-C.
Identifiers: ClinVar variation 3341868 (VCV003341868.16).

ClinVar aggregate classification (germline): Likely benign (1 of 4 stars; one submission).

Submission:

CeGaT Center for Human Genetics Tuebingen
Classification: Likely benign. Last evaluated: 2024-08-01. Review status: criteria provided, single submitter. Criteria: CeGaT Center For Human Genetics Tuebingen Variant Classification Criteria Version 2. Collection method: clinical testing. Allele origin: germline. Affected: yes. Observed: 1 variant allele.
Comment: TRIM28: BP4, BP7